The following is an entry in ClinVar:

ClinVar aggregate classification (germline): Benign. Review status: criteria provided, multiple submitters, no conflicts (2 of 4 stars). 5 submissions from 5 submitters: Benign (5). Last evaluated 2026-02-03.

Conditions:
Hereditary spastic paraplegia 48. Also called: SPASTIC PARAPLEGIA 48, AUTOSOMAL RECESSIVE; Spastic paraplegia 48. Identifiers: Orphanet 306511, MedGen C3150901, MONDO:0013342, OMIM 613647.

Allele frequency attached by ClinVar (database versions not stated): gnomAD exomes 0.00141 and 0.00337; ExAC 0.00650; ESP Exome Variant Server 0.01273; gnomAD 0.01409 and 0.01503; TOPMed 0.01522; 1000 Genomes Project 0.01697; 1000 Genomes Project 30x 0.01889.

Submissions (5):

Labcorp Genetics (formerly Invitae), Labcorp
Classification: Benign for Hereditary spastic paraplegia 48. Last evaluated: 2026-02-03. Review status: criteria provided, single submitter. Criteria: Invitae Variant Classification Sherloc (09022015). Collection method: clinical testing. Allele origin: germline.

Athena Diagnostics
Classification: Benign. Last evaluated: 2025-03-06. Review status: criteria provided, single submitter. Criteria: Athena Diagnostics Criteria. Collection method: clinical testing. Allele origin: unknown.
Comment: The frequency of this variant in the general population is higher than would generally be expected for pathogenic variants in this gene.

Mayo Clinic Laboratories, Mayo Clinic
Classification: Benign. Last evaluated: 2024-01-23. Review status: criteria provided, single submitter. Criteria: ACMG Guidelines, 2015. Collection method: clinical testing. Allele origin: germline. Observed: 3 variant alleles.
Comment: BA1, BS2, BP4, BP7

GeneDx
Classification: Benign. Last evaluated: 2019-05-17. Review status: criteria provided, single submitter. Criteria: GeneDx Variant Classification Process June 2021. Collection method: clinical testing. Allele origin: germline. Affected: yes.

Illumina Laboratory Services, Illumina
Classification: Benign for Hereditary spastic paraplegia 48. Last evaluated: 2018-01-12. Review status: criteria provided, single submitter. Criteria: ICSL Variant Classification Criteria 13 December 2019. Collection method: clinical testing. Allele origin: germline.
Comment: This variant was observed in the ICSL laboratory as part of a predisposition screen in an ostensibly healthy population. It had not been previously curated by ICSL or reported in the Human Gene Mutation Database (HGMD: prior to June 1st, 2018), and was therefore a candidate for classification through an automated scoring system. Utilizing variant allele frequency, disease prevalence and penetrance estimates, and inheritance mode, an automated score was calculated to assess if this variant is too frequent to cause the disease. Based on the score and internal cut-off values, a variant classified as benign is not then subjected to further curation. The score for this variant resulted in a classification of benign for this disease.

NM_014855.3(AP5Z1):c.1369C>T (p.Leu457=)

Gene: AP5Z1 (adaptor related protein complex 5 subunit zeta 1; plus strand). Cytogenetic location: 7p22.1.
Variant type: single nucleotide variant.
Coding change: c.1369C>T on transcript NM_014855.3 (MANE Select); coding-DNA position 1369, C replaced by T.
Protein change: p.Leu457=; no amino-acid change (leucine 457 retained).
Molecular consequence: synonymous variant. On other transcripts: non-coding transcript variant (1).
Genome position (GRCh38, 1-based): chr7:4,787,691, C>T. VCF-style: chr7-4787691-C-T. GRCh37 (hg19) VCF-style: chr7-4827322-C-T.
Other names: p.Leu457=; c.1369C>T, p.Leu457= (LRG_1247t1); c.901C>T, p.Leu301= (NM_001364858.1).
Identifiers: ClinVar variation 360329 (VCV000360329.20), dbSNP rs111358719, ClinGen allele CA4137777.
Genomic context (GRCh38, chr7:4,787,691, plus strand): 5'-CAGTTCCTGGCCTGGAACAGCCCACCCCTCACCTCCGAGTTTGTGGCGCTCCTCCCGGCC[C>T]TGGTGGACGCTGGCACAGCCCTGGAGATGCTGCACGCGCTGCTGGACCTGCCCTGCTTGA-3'
Protein context (NP_055670.1, residues 447-467): TSEFVALLPA[Leu457=]VDAGTALEML